The following is an entry in ClinVar:

NM_001378454.1(ALMS1):c.5566C>T (p.His1856Tyr)

Gene: ALMS1 (ALMS1 centrosome and basal body associated protein; plus strand). Cytogenetic location: 2p13.1.
Variant type: single nucleotide variant.
Coding change: c.5566C>T on transcript NM_001378454.1 (MANE Select); coding-DNA position 5566, C replaced by T.
Protein change: p.His1856Tyr; replaces histidine 1856 with tyrosine.
Molecular consequence: missense variant.
Genome position (GRCh38, 1-based): chr2:73,452,093, C>T. VCF-style: chr2-73452093-C-T. GRCh37 (hg19) VCF-style: chr2-73679220-C-T.
Other names: c.5569C>T, p.His1857Tyr (NM_015120.4); short protein forms H1856Y, H1857Y.
Identifiers: ClinVar variation 1716011 (VCV001716011.6), dbSNP rs777664567, ClinGen allele CA347282588.

ClinVar aggregate classification (germline): Uncertain significance. Review status: criteria provided, single submitter (1 of 4 stars). 2 submissions from 2 submitters: Uncertain significance (1). 1 of the submissions does not count toward it. Last evaluated 2022-08-10.

Conditions:
Alstrom syndrome (ALMS). Identifiers: Orphanet 64, MedGen C0268425, MONDO:0008763, OMIM 203800.

gnomAD v4.1: 1 of 1,613,902 alleles (0.000062%); highest among the groups gnomAD compares: East Asian, 0.0022%; no homozygotes.

Submissions (2):

Labcorp Genetics (formerly Invitae), Labcorp
Classification: Uncertain significance for Alstrom syndrome. Last evaluated: 2022-08-10. Review status: criteria provided, single submitter. Criteria: Invitae Variant Classification Sherloc (09022015). Collection method: clinical testing. Allele origin: germline.
Comment: This sequence change replaces histidine, which is basic and polar, with tyrosine, which is neutral and polar, at codon 1857 of the ALMS1 protein (p.His1857Tyr). In summary, the available evidence is currently insufficient to determine the role of this variant in disease. Therefore, it has been classified as a Variant of Uncertain Significance. Experimental studies and prediction algorithms are not available or were not evaluated, and the functional significance of this variant is currently unknown. This variant has not been reported in the literature in individuals affected with ALMS1-related conditions. This variant is not present in population databases (gnomAD no frequency).

Natera, Inc.
Classification: Uncertain significance for Alstrom syndrome. Last evaluated: 2025-04-13. Review status: no assertion criteria provided. Collection method: clinical testing. Allele origin: germline. Not counted in ClinVar's aggregate classification.